The following is an entry in ClinVar:

ClinVar aggregate classification (germline): Likely pathogenic (1 of 4 stars; one submission).

Conditions:
Short-rib thoracic dysplasia 8 with or without polydactyly (SRTD8). Also called: SHORT-RIB THORACIC DYSPLASIA 8 WITH POLYDACTYLY. Identifiers: Orphanet 93271, MedGen C3809691, MONDO:0014214, OMIM 615503.

Submission:

Juno Genomics, Hangzhou Juno Genomics, Inc
Classification: Likely pathogenic for Short-rib thoracic dysplasia 8 with or without polydactyly. Review status: criteria provided, single submitter. Criteria: ACMG Guidelines, 2015. Collection method: clinical testing. Allele origin: germline. Affected: yes.
Comment: Absent from controls (or at extremely low frequency if recessive) in Genome Aggregation Database, Exome Sequencing Project, 1000 Genomes Project, or Exome Aggregation Consortium.;Null variant in a gene where loss of function (LOF) is a known mechanism of disease.

NM_018051.5(DYNC2I1):c.265_268del (p.Gln89fs)

Gene: DYNC2I1 (dynein 2 intermediate chain 1; plus strand). Cytogenetic location: 7q36.3.
Variant type: Microsatellite.
Coding change: c.265_268del on transcript NM_018051.5 (MANE Select); coding-DNA positions 265 to 268, 4 bases deleted (CAGA; older notation c.265_268delCAGA).
Protein change: p.Gln89fs; shifts the reading frame from glutamine 89.
Molecular consequence: frameshift variant. On other transcripts: 5 prime UTR variant (4).
Genome position (GRCh38, 1-based): chr7:158,871,337-158,871,340, CAGA deleted; deleting any 4 consecutive bases within chr7:158,871,330-158,871,340 gives the same sequence; the c. name uses the placement nearest the transcript's 3' end. VCF-style (leftmost placement, unchanged base first): chr7-158871329-GAGAC-G. GRCh37 (hg19) VCF-style: chr7-158664020-GAGAC-G.
Other names: c.127_130del, p.Gln43fs (NM_001350914.2); c.-257CAGA[1] (NM_001350915.2); c.-1098CAGA[1] (NM_001350916.2); c.-1106CAGA[1] (NM_001350917.2); c.-1225CAGA[1] (NM_001350918.2); short protein forms Q43fs, Q89fs.
Identifiers: ClinVar variation 3906974 (VCV003906974.2).
Genomic context (GRCh38, chr7:158,871,329, plus strand): 5'-GCAGAGACAGGGTGGCCGAAGTCCACACCGCTAAGGAGAGTCCTCGTGGGGAGAGGGACA[GAGAC>G]AGACAGAGGGAGAGGAGAAGAGACGCAAAAGACCGGGAGAAAGAAAAGCTGAAGGAGAAA-3'